The following is an entry in ClinVar:

NM_006766.5(KAT6A):c.4950G>C (p.Gln1650His)

Gene: KAT6A (lysine acetyltransferase 6A; minus strand). Cytogenetic location: 8p11.21.
Variant type: single nucleotide variant.
Coding change: c.4950G>C on transcript NM_006766.5 (MANE Select); coding-DNA position 4950, G replaced by C.
Protein change: p.Gln1650His; replaces glutamine 1650 with histidine.
Molecular consequence: missense variant.
Genome position (GRCh38, 1-based): chr8:41,933,270, C>G on the plus strand (G>C on the coding strand, the complement: KAT6A is on the minus strand). VCF-style: chr8-41933270-C-G. GRCh37 (hg19) VCF-style: chr8-41790788-C-G.
Other names: short protein forms Q1650H.
Identifiers: ClinVar variation 3731379 (VCV003731379.1).
Genomic context (GRCh38, chr8:41,933,270, plus strand): 5'-TGGTGCTGGTTGTGGTTGTGGCGGCGGCGGCTGTGGCTGCTGTGGAGGCGGTGGTGGCGG[C>G]TGCTGCTGCTGGTTACTGGGAGGCCTCTCCACCACGCAGCTCTGAGGTGACTTGATGCTG-3'
Protein context (NP_006757.2, residues 1640-1660): VERPPSNQQQ[Gln1650His]PPPPPPQQPQ

ClinVar aggregate classification (germline): Uncertain significance (1 of 4 stars; one submission).

Conditions:
Autosomal dominant intellectual disability-craniofacial anomalies-cardiac defects syndrome (ARTHS). Also called: Mental retardation, autosomal dominant 32; Arboleda-Tham syndrome; KAT6A syndrome. Identifiers: Orphanet 457193, MedGen C4225396, MONDO:0014558, OMIM 616268.

Submission:

Neuberg Centre For Genomic Medicine, NCGM
Classification: Uncertain significance for Autosomal dominant intellectual disability-craniofacial anomalies-cardiac defects syndrome. Review status: criteria provided, single submitter. Criteria: ACMG Guidelines, 2015. Collection method: clinical testing. Allele origin: germline. Inheritance: Autosomal dominant inheritance. Affected: yes.
Comment: The missense c.4950G>C(p.Gln1650His) variant in KAT6A gene has not been reported previously as a pathogenic variant nor as a benign variant, to our knowledge. The p.Gln1650His variant is absent in gnomAD Exomes. This variant has not been submitted to the ClinVar database. Multiple lines of computational evidences (Polyphen - Benign, SIFT - Tolerated and MutationTaster - Polymorphism) predict no damaging effect on protein structure and function for this variant. The reference amino acid at this position on KAT6A gene is predicted as conserved by GERP++. The amino acid Gln at position 1650 is changed to a His changing protein sequence and it might alter its composition and physico-chemical properties. For these reasons, this variant has been classified as a Variant of Uncertain Significance (VUS).